The following is an entry in ClinVar:

NM_052925.4(LENG8):c.594C>T (p.Pro198=)

Gene: LENG8 (leukocyte receptor cluster member 8; plus strand). Cytogenetic location: 19q13.42.
Variant type: single nucleotide variant.
Coding change: c.594C>T on transcript NM_052925.4 (MANE Select); coding-DNA position 594, C replaced by T.
Protein change: p.Pro198=; no amino-acid change (proline 198 retained).
Molecular consequence: synonymous variant.
Genome position (GRCh38, 1-based): chr19:54,454,597, C>T. VCF-style: chr19-54454597-C-T. GRCh37 (hg19) VCF-style: chr19-54965776-C-T.
Other names: c.594C>T, p.Pro198= (NM_001375638.1, NM_001375640.1, NM_001375641.1); c.540C>T, p.Pro180= (NM_001375639.1); c.483C>T, p.Pro161= (NM_001411063.1).
Identifiers: ClinVar variation 3049835 (VCV003049835.2), dbSNP rs368445549, ClinGen allele CA309656823.

ClinVar aggregate classification (germline): Likely benign (0 of 4 stars; one submission).

Conditions:
LENG8-related disorder. Also called: LENG8-related condition.

Allele frequency attached by ClinVar (database versions not stated): TOPMed 0.00003; ESP Exome Variant Server 0.00016; 1000 Genomes Project 0.00020; 1000 Genomes Project 30x 0.00031.
gnomAD v4.1: 58 of 1,610,132 alleles (0.0036%); highest among the groups gnomAD compares: South Asian, 0.037%; no homozygotes.

Submission:

PreventionGenetics, part of Exact Sciences
Classification: Likely benign for LENG8-related condition. Last evaluated: 2019-07-17. Review status: no assertion criteria provided. Collection method: clinical testing. Allele origin: germline.
Comment: This variant is classified as likely benign based on ACMG/AMP sequence variant interpretation guidelines (Richards et al. 2015 PMID: 25741868, with internal and published modifications).